The following is an entry in ClinVar:

NM_000091.5(COL4A3):c.443G>T (p.Gly148Val)

Genes: MFF-DT (MFF divergent transcript; minus strand), COL4A3 (collagen type IV alpha 3 chain; plus strand). Cytogenetic location: 2q36.3.
Variant type: single nucleotide variant.
Coding change: c.443G>T on transcript NM_000091.5 (MANE Select); coding-DNA position 443, G replaced by T.
Protein change: p.Gly148Val; replaces glycine 148 with valine.
Molecular consequence: missense variant.
Genome position (GRCh38, 1-based): chr2:227,247,559, G>T. VCF-style: chr2-227247559-G-T. GRCh37 (hg19) VCF-style: chr2-228112275-G-T.
Other names: p.(Gly148Val); c.443G>T (NM_000091.3); short protein forms G148V.
Identifiers: ClinVar variation 551046 (VCV000551046.29), dbSNP rs775373641, ClinGen allele CA2146140.
Genomic context (GRCh38, chr2:227,247,559, plus strand): 5'-GAGTAGGAGTGTGTGCGTTTGATATTCCTCTAGTTGTTCATAGGTTGCTTTTTTCCTAGG[G>T]TGCTGCTGGTTTGAAAGGACAAAAGGTAAGTCATTGGTGGAATGCTGTCACTGAAAATCT-3'
Protein context (NP_000082.2, residues 138-158): PGTLGYPGIP[Gly148Val]AAGLKGQKGA

ClinVar aggregate classification (germline): Pathogenic/Likely pathogenic. Review status: criteria provided, multiple submitters, no conflicts (2 of 4 stars). 11 submissions from 11 submitters: Pathogenic (4); Likely pathogenic (4). 3 of the submissions do not count toward it. Last evaluated 2026-03-18.

Conditions:
Alport syndrome. Also called: Hemorrhagic familial nephritis; Hemorrhagic hereditary nephritis; Congenital hereditary hematuria. Identifiers: Orphanet 63, MedGen C1567741, MONDO:0018965.
Autosomal dominant Alport syndrome (ATS3A). Also called: ALPORT SYNDROME 3A, AUTOSOMAL DOMINANT; Alport syndrome dominant type; Renal failure and sensorineural hearing loss. Identifiers: Orphanet 63, Orphanet 88918, MedGen C5882663, MONDO:0007086, OMIM 104200.
COL4A3-related disorder. Also called: COL4A3-related condition; COL4A3-Related Disorders.
Autosomal recessive Alport syndrome (ATS2). Also called: ALPORT SYNDROME 2, AUTOSOMAL RECESSIVE; COL4A4 Alport Syndrome and Thin Basement Membrane Nephropathy; COL4A3-Related Nephropathy; Alport syndrome type 2. Identifiers: Orphanet 63, Orphanet 88919, MedGen C4746745, MONDO:0008762, OMIM 203780.
Hematuria, benign familial, 2 (BFH2). Identifiers: MedGen C5830421, MONDO:0958186, OMIM 620320.
Alport syndrome 3b, autosomal recessive. Identifiers: MedGen C5882699, MONDO:0957811, OMIM 620536.

Allele frequency attached by ClinVar (database versions not stated): gnomAD 0.00001; TOPMed 0.00001; gnomAD exomes 0.00002 and 0.00001; ExAC 0.00002.
gnomAD v4.1: 32 of 1,613,886 alleles (0.002%); highest among the groups gnomAD compares: Non-Finnish European, 0.0024%; no homozygotes.

Submissions 1 to 7 of 11:

Centre de Génétique Humaine, Institut de Pathologie Et de Génétique
Classification: Likely pathogenic for Autosomal dominant Alport syndrome. Last evaluated: 2026-03-18. Review status: criteria provided, single submitter. Criteria: ACMG Guidelines, 2015. Collection method: clinical testing. Allele origin: germline. Inheritance: Autosomal dominant inheritance. Affected: yes. Observed: 3 variant alleles, 3 heterozygotes. Clinical features observed: Microscopic hematuria (HP:0002907), Proteinuria (HP:0000093), Stage 3 chronic kidney disease (HP:0012625), Renal cyst (HP:0000107), Stage 2 chronic kidney disease (HP:0012624). Segregation with disease observed.
Comment: This missense variant involves a highly conserved glycine located in a ‘Gly-X-Y’ motif in collagenous region, which is characteristic of the pathogenic variants identified in the COL4A3 gene (PM1,PP2). This variant is rare: allelic frequency of 0.0019% in gnomAD v4.1.0 database (PM2); In silico analysis supports that this missense variant has a deleterious effect (PP3). Detected as heterozygous in patients with FSGS or AD Alport S and classed as LP or VUS. (PP5)

Labcorp Genetics (formerly Invitae), Labcorp
Classification: Pathogenic. Last evaluated: 2026-01-16. Review status: criteria provided, single submitter. Criteria: Invitae Variant Classification Sherloc (09022015). Collection method: clinical testing. Allele origin: germline.
Comment: This sequence change replaces glycine, which is neutral and non-polar, with valine, which is neutral and non-polar, at codon 148 of the COL4A3 protein (p.Gly148Val). This variant is present in population databases (rs775373641, gnomAD 0.01%). This missense change has been observed in individual(s) with clinical features of focal segmental glomerulosclerosis, steroid resistant nephrotic syndrome, or Alport syndrome (PMID: 25229338, 30406062; internal data). In at least one individual the data is consistent with being in trans (on the opposite chromosome) from a pathogenic variant. It has also been observed to segregate with disease in related individuals. ClinVar contains an entry for this variant (Variation ID: 551046). An algorithm developed to predict the effect of missense changes on protein structure and function (PolyPhen-2) suggests that this variant is likely to be disruptive. For these reasons, this variant has been classified as Pathogenic.

Natera, Inc.
Classification: Likely pathogenic for Alport syndrome. Last evaluated: 2025-09-17. Review status: criteria provided, single submitter. Criteria: Natera Variant Classification Schema (03/2026). Collection method: clinical testing. Allele origin: germline.
Comment: The c.443G>T variant in COL4A3 is a missense variant predicted to cause substitution of glycine to valine at amino acid 148. This variant is rare in the general population with a frequency below the threshold expected for the associated phenotype(s). This variant has been observed in affected individual(s) with monoallelic occurrence (heterozygous/hemizygous) (PMID: 39190485). This variant is located in a functionally critical region of the protein. Computational prediction algorithms indicate this variant is likely to affect gene or protein function. Given the available evidence, this variant is classified as Likely Pathogenic.

Victorian Clinical Genetics Services, Murdoch Childrens Research Institute
Classification: Pathogenic for Alport syndrome. Last evaluated: 2025-07-30. Review status: criteria provided, single submitter. Criteria: ACMG Guidelines, 2015. Collection method: clinical testing. Allele origin: germline. Affected: yes.
Comment: This variant is classified as Pathogenic. Evidence in support of pathogenic classification: Variant is present in gnomAD <0.01 (v4: 32 heterozygote(s), 0 homozygote(s)); This variant has strong previous evidence of pathogenicity in unrelated individuals. It has been reported in heterozygous individuals with familial focal segmental glomerulosclerosis, Alport syndrome and age-related hearing loss (PMID: 25229338, 33040356, 33229591). In addition, it has been classified as pathogenic and likely pathogenic by multiple clinical laboratories (ClinVar); Variant is located in the well-established functional Gly-X-Y motif in the collagen triple helical domain (DECIPHER); Missense variant predicted to be damaging by in silico tool(s) or highly conserved with a major amino acid change. Additional information: Variant is predicted to result in a missense amino acid change from glycine to valine; This variant is heterozygous; This gene is associated with both recessive and dominant Alport syndrome (MONDO:0018965), COL4A3-related; Alternative amino acid change(s) at the same position are present in gnomAD (highest allele count: v4: 1 heterozygote(s), 0 homozygote(s)) ; No published segregation evidence has been identified for this variant; No published functional evidence has been identified for this variant; Another missense variant comparable to the one identified in this case has conflicting previous evidence for pathogenicity. p.(Gly148Asp) has been classified as likely pathogenic and as a variant of uncertain significance by clinical laboratories (ClinVar); Dominant negative and loss of function are known mechanisms of disease in this gene and are associated with Alport syndrome (MONDO:0018965), COL4A3-related. Glycine changes that are part of a G-X-Y repeat in the triple helix of a collagen domain are known to have a dominant negative effect (PMID: 12028435); Inheritance information for this variant is not currently available in this individual.

ARUP Laboratories, Molecular Genetics and Genomics, ARUP Laboratories
Classification: Likely pathogenic. Last evaluated: 2024-04-09. Review status: criteria provided, single submitter. Criteria: ARUP Molecular Germline Variant Investigation Process 2024. Collection method: clinical testing. Allele origin: germline.
Comment: The COL4A3 c.443G>T; p.Gly148Val variant (rs775373641) is reported in the literature in individuals diagnosed with Alport syndrome, glomerulosclerosis, steroid resistant nephrotic syndrome, or hearing loss (Boeckhaus 2021, Boucher 2020, Malone 2014, Varner 2018). The variant is listed in the ClinVar database (Variation ID: 551046) and is listed in the general population with an overall allele frequency of 0.001% (4/280,874 alleles) in the Genome Aggregation Database. The glycine at codon 148 is highly conserved, and computational analyses predict that this variant is deleterious (REVEL: 0.991). Additionally, this glycine occurs in a Gly-X-Y repeat region in a collagen triple helix region, a critical functional domain (Savige 2021). Based on available information, this variant is considered to be likely pathogenic. References: Boeckhaus J et al. Precise variant interpretation, phenotype ascertainment, and genotype-phenotype correlation of children in the EARLY PRO-TECT Alport trial. Clin Genet. 2021 Jan;99(1):143-156. PMID: 33040356. Boucher S et al. Ultrarare heterozygous pathogenic variants of genes causing dominant forms of early-onset deafness underlie severe presbycusis. Proc Natl Acad Sci U S A. 2020 Dec 8;117(49):31278-31289. PMID: 33229591. Malone AF et al. Rare hereditary COL4A3/COL4A4 variants may be mistaken for familial focal segmental glomerulosclerosis. Kidney Int. 2014 Dec;86(6):1253-9. PMID: 25229338. Savige J et al. Consensus statement on standards and guidelines for the molecular diagnostics of Alport syndrome: refining the ACMG criteria. Eur J Hum Genet. 2021 Aug;29(8):1186-1197. PMID: 33854215. Varner JD et al. Genetic Testing for Steroid-Resistant-Nephrotic Syndrome in an Outbred Population. Front Pediatr. 2018 Oct 22;6:307. PMID: 30406062.

Fulgent Genetics
Classification: Pathogenic for Autosomal dominant Alport syndrome; Hematuria, benign familial, 2; Alport syndrome 3b, autosomal recessive. Last evaluated: 2024-02-02. Review status: criteria provided, single submitter. Criteria: ACMG Guidelines, 2015. Collection method: clinical testing. Allele origin: germline.

Athena Diagnostics
Classification: Pathogenic. Last evaluated: 2023-03-15. Review status: criteria provided, single submitter. Criteria: Athena Diagnostics Criteria. Collection method: clinical testing. Allele origin: unknown.
Comment: The frequency of this variant in the general population is consistent with pathogenicity. This variant has been identified in at least one individual with clinical features associated with this gene. The majority of the pathogenic variants in this gene involve the substitution of a glycine residue in the triple-helix domain, resulting in disruption of protein function (PMID: 29632050, 21421911, 19344236). This variant alters a critical location within the protein, and is expected to severely affect function and cause disease.